The following is an entry in ClinVar:

NM_001173990.3(TMEM216):c.1A>G (p.Met1Val)

Gene: TMEM216 (transmembrane protein 216; plus strand). Cytogenetic location: 11q12.2.
Variant type: single nucleotide variant.
Coding change: c.1A>G on transcript NM_001173990.3 (MANE Select); coding-DNA position 1, A replaced by G.
Protein change: p.Met1Val; changes the start codon (methionine 1).
Molecular consequence: missense variant, initiator codon variant. On other transcripts: 5 prime UTR variant (2).
Genome position (GRCh38, 1-based): chr11:61,392,632, A>G. VCF-style: chr11-61392632-A-G. GRCh37 (hg19) VCF-style: chr11-61160104-A-G.
Other names: c.1A>G, p.Met1Val (NM_001173991.3); c.-197A>G (NM_001330285.2, NM_016499.6); short protein forms M1V.
Identifiers: ClinVar variation 557517 (VCV000557517.7), dbSNP rs1287246452, ClinGen allele CA380684454.
Genomic context (GRCh38, chr11:61,392,632, plus strand): 5'-GGCCGCTTCGTCCCTGTTTCCGGCAGCGCCGCGCTGCTCCGGGAGCCGCTGTGGCAGCGT[A>G]TGCTGCCACGGGGACTGAAGATGGCGCCGCGAGGTGAGATTCCGGAGGTGTGTGAGTCGC-3'
Protein context (NP_001167461.1, residues 1-11): [Met1Val]LPRGLKMAPR

ClinVar aggregate classification (germline): Uncertain significance. Review status: criteria provided, single submitter (1 of 4 stars). 2 submissions from 2 submitters: Uncertain significance (1). 1 of the submissions does not count toward it. Last evaluated 2024-08-27.

Conditions:
Joubert syndrome 2 (JBTS2). Also called: CEREBELLOOCULORENAL SYNDROME 2. Identifiers: Orphanet 2318, MedGen C1842577, MONDO:0011963, OMIM 608091.
Meckel syndrome, type 2 (MKS2). Also called: MKS2-Related Meckel Syndrome; MECKEL-GRUBER SYNDROME, TYPE 2. Identifiers: Orphanet 564, MedGen C1864148, MONDO:0011296, OMIM 603194.
Joubert syndrome. Also called: Familial aplasia of the vermis; CEREBELLOPARENCHYMAL DISORDER IV; JOUBERT-BOLTSHAUSER SYNDROME. Identifiers: Orphanet 475, MedGen C5979921, MONDO:0018772.

Allele frequency attached by ClinVar (database versions not stated): gnomAD exomes below 0.00001 and 0.00001.

Submissions (2):

Labcorp Genetics (formerly Invitae), Labcorp
Classification: Uncertain significance for Joubert syndrome. Last evaluated: 2024-08-27. Review status: criteria provided, single submitter. Criteria: Invitae Variant Classification Sherloc (09022015). Collection method: clinical testing. Allele origin: germline.
Comment: This sequence change affects the initiator methionine of the TMEM216 mRNA. The next in-frame methionine is located at codon 8. This variant is present in population databases (no rsID available, gnomAD 0.004%). This variant has not been reported in the literature in individuals affected with TMEM216-related conditions. ClinVar contains an entry for this variant (Variation ID: 557517). Experimental studies and prediction algorithms are not available or were not evaluated, and the functional significance of this variant is currently unknown. In summary, the available evidence is currently insufficient to determine the role of this variant in disease. Therefore, it has been classified as a Variant of Uncertain Significance.

Counsyl
Classification: Uncertain significance for Meckel syndrome, type 2; Joubert syndrome 2. Last evaluated: 2018-03-27. Review status: no assertion criteria provided. Collection method: clinical testing. Allele origin: unknown. Not counted in ClinVar's aggregate classification.